The following is an entry in ClinVar:

ClinVar aggregate classification (germline): Pathogenic (1 of 4 stars; one submission).

Conditions:
Cardiac anomalies - developmental delay - facial dysmorphism syndrome (MRFACD). Also called: MED13L Syndrome; Impaired intellectual development and distinctive facial features with or without cardiac defects. Identifiers: Orphanet 369891, MedGen C5192431, MONDO:0014773, OMIM 616789.

Submission:

Baylor Genetics
Classification: Pathogenic for Cardiac anomalies - developmental delay - facial dysmorphism syndrome. Last evaluated: 2018-07-12. Review status: criteria provided, single submitter. Criteria: ACMG Guidelines, 2015. Collection method: clinical testing. Allele origin: de novo. Affected: yes.
Comment: This variant was determined to be pathogenic according to ACMG Guidelines, 2015 [PMID:25741868].

NM_015335.5(MED13L):c.4975_4976insC (p.Ile1659fs)

Gene: MED13L (mediator complex subunit 13L; minus strand). Cytogenetic location: 12q24.21.
Variant type: Insertion.
Coding change: c.4975_4976insC on transcript NM_015335.5 (MANE Select); coding-DNA positions 4975 to 4976, C inserted.
Protein change: p.Ile1659fs; shifts the reading frame from isoleucine 1659.
Molecular consequence: frameshift variant.
Genome position: GRCh38 VCF-style: chr12-115982583-A-AG. GRCh37 (hg19) VCF-style: chr12-116420388-A-AG.
Other names: short protein forms I1659fs.
Identifiers: ClinVar variation 1033771 (VCV001033771.1), dbSNP rs1877403231, ClinGen allele CA2065371831.